The following is an entry in ClinVar:

ClinVar aggregate classification (germline): Uncertain significance (1 of 4 stars; one submission).

Allele frequency attached by ClinVar (database versions not stated): gnomAD exomes below 0.00001; gnomAD 0.00001.

Submission:

Labcorp Genetics (formerly Invitae), Labcorp
Classification: Uncertain significance. Last evaluated: 2020-11-20. Review status: criteria provided, single submitter. Criteria: Invitae Variant Classification Sherloc (09022015). Collection method: clinical testing. Allele origin: germline.
Comment: This variant has not been reported in the literature in individuals with RPL19-related conditions. In summary, the available evidence is currently insufficient to determine the role of this variant in disease. Therefore, it has been classified as a Variant of Uncertain Significance. Algorithms developed to predict the effect of sequence changes on RNA splicing suggest that this variant may create or strengthen a splice site, but this prediction has not been confirmed by published transcriptional studies. Algorithms developed to predict the effect of missense changes on protein structure and function are either unavailable or do not agree on the potential impact of this missense change (SIFT: "Deleterious"; PolyPhen-2: "Benign"; Align-GVGD: "Class C0"). This variant is not present in population databases (ExAC no frequency). This sequence change replaces arginine with glutamine at codon 104 of the RPL19 protein (p.Arg104Gln). The arginine residue is highly conserved and there is a small physicochemical difference between arginine and glutamine.

NM_000981.4(RPL19):c.311G>A (p.Arg104Gln)

Gene: RPL19 (ribosomal protein L19; plus strand). Cytogenetic location: 17q12.
Variant type: single nucleotide variant.
Coding change: c.311G>A on transcript NM_000981.4 (MANE Select); coding-DNA position 311, G replaced by A.
Protein change: p.Arg104Gln; replaces arginine 104 with glutamine.
Molecular consequence: missense variant.
Genome position (GRCh38, 1-based): chr17:39,203,064, G>A. VCF-style: chr17-39203064-G-A. GRCh37 (hg19) VCF-style: chr17-37359317-G-A.
Other names: c.305G>A, p.Arg102Gln (NM_001330200.1); short protein forms R102Q, R104Q.
Identifiers: ClinVar variation 1429929 (VCV001429929.8), dbSNP rs2046301578, ClinGen allele CA398835823.